The following is an entry in ClinVar:

NM_024334.3(TMEM43):c.290C>T (p.Thr97Ile)

Gene: TMEM43 (transmembrane protein 43; plus strand). Cytogenetic location: 3p25.1.
Variant type: single nucleotide variant.
Coding change: c.290C>T on transcript NM_024334.3 (MANE Select); coding-DNA position 290, C replaced by T.
Protein change: p.Thr97Ile; replaces threonine 97 with isoleucine.
Molecular consequence: missense variant.
Genome position (GRCh38, 1-based): chr3:14,130,949, C>T. VCF-style: chr3-14130949-C-T. GRCh37 (hg19) VCF-style: chr3-14172449-C-T.
Other names: c.290C>T, p.Thr97Ile (NM_001407274.1, NM_001407275.1, NM_001407276.1 and 2 more transcripts); c.275C>T, p.Thr92Ile (NM_001407278.1); c.140C>T, p.Thr47Ile (NM_001407280.1); short protein forms T47I, T92I, T97I.
Identifiers: ClinVar variation 3070997 (VCV003070997.2), dbSNP rs1695087591, ClinGen allele CA351534728.

ClinVar aggregate classification (germline): Uncertain significance (1 of 4 stars; one submission).

Conditions:
Arrhythmogenic right ventricular dysplasia 5. Also called: Arrhythmogenic Right Ventricular Dysplasia/Cardiomyopathy 5; ARRHYTHMOGENIC RIGHT VENTRICULAR DYSPLASIA, FAMILIAL, 5. Identifiers: MedGen C1858379, MONDO:0011459, OMIM 604400.

Allele frequency attached by ClinVar (database versions not stated): gnomAD exomes below 0.00001.

Submission:

All of Us Research Program, National Institutes of Health
Classification: Uncertain significance for Arrhythmogenic right ventricular dysplasia 5. Last evaluated: 2024-03-05. Review status: criteria provided, single submitter. Criteria: ACMG Guidelines, 2015. Collection method: clinical testing. Allele origin: germline. Inheritance: Autosomal dominant inheritance. Observed: 2 variant alleles, 2 heterozygotes.
Comment: This missense variant replaces threonine with isoleucine at codon 97 of the TMEM43 protein. Computational prediction suggests that this variant may not impact protein structure and function (internally defined REVEL score threshold <= 0.5, PMID: 27666373). To our knowledge, functional studies have not been reported for this variant. This variant has not been reported in individuals affected with TMEM43-related disorders in the literature. This variant has not been identified in the general population by the Genome Aggregation Database (gnomAD). The available evidence is insufficient to determine the role of this variant in disease conclusively. Therefore, this variant is classified as a Variant of Uncertain Significance.

This study involves interpretation of variants in research participants for the purpose of population health screening. Participant phenotype was not available at the time of variant classification. Additional details can be found in publication PMID: 35346344, PMCID: PMC8962531